The following is an entry in ClinVar:

NM_000064.4(C3):c.2327A>C (p.Glu776Ala)

Gene: C3 (complement C3; minus strand). Cytogenetic location: 19p13.3.
Variant type: single nucleotide variant.
Coding change: c.2327A>C on transcript NM_000064.4 (MANE Select); coding-DNA position 2327, A replaced by C.
Protein change: p.Glu776Ala; replaces glutamic acid 776 with alanine.
Molecular consequence: missense variant.
Genome position (GRCh38, 1-based): chr19:6,702,498, T>G on the plus strand (A>C on the coding strand, the complement: C3 is on the minus strand). VCF-style: chr19-6702498-T-G. GRCh37 (hg19) VCF-style: chr19-6702509-T-G.
Other names: short protein forms E776A.
Identifiers: ClinVar variation 4280163 (VCV004280163.1).

ClinVar aggregate classification (germline): Uncertain significance (1 of 4 stars; one submission).

Conditions:
Complement component 3 deficiency. Identifiers: Orphanet 280133, MedGen C3151071, MONDO:0013417, OMIM 613779.
C3 glomerulonephritis. Also called: Nephropathy due to CFHR5 Deficiency; C3 GLOMERULOPATHY 3. Identifiers: Orphanet 329931, MedGen C4055342, MONDO:0013892, OMIM 614809.
Atypical hemolytic-uremic syndrome. Identifiers: Orphanet 2134, MedGen C2931788, MONDO:0016244.

Submission:

Genomenon, Inc
Classification: Uncertain significance for Complement component 3 deficiency; C3 glomerulonephritis; Atypical hemolytic-uremic syndrome. Last evaluated: 2025-09-30. Review status: criteria provided, single submitter. Criteria: Genomenon Sequence Variant Interpretation Standards. Collection method: curation. Allele origin: germline. Affected: no.
Comment: C3 p.Glu776Ala (c.2327A>C) is a missense variant that changes the amino acid at residue 776 from Glutamic acid to Alanine. This variant has been reported in the published literature (PMID:9988761). It is absent or not present at a significant frequency in gnomAD. In silico models agree that this variant is not damaging. In conclusion, we classify C3 p.Glu776Ala (c.2327A>C) as a variant of unknown significance.

Literature cited by the submitters: PubMed 9988761.